The following is an entry in ClinVar:

ClinVar aggregate classification (germline): Likely benign (1 of 4 stars; one submission).

Conditions:
Coffin-Siris syndrome 6. Identifiers: MedGen C4540499, MONDO:0033492, OMIM 617808.

gnomAD v4.1: 15 of 1,612,926 alleles (0.00093%); highest among the groups gnomAD compares: South Asian, 0.013%; no homozygotes.

Submission:

Centre for Medical Genetics,  Mumbai
Classification: Likely benign for Coffin-Siris syndrome 6. Last evaluated: 2026-04-13. Review status: criteria provided, single submitter. Criteria: ACMG Guidelines, 2015. Collection method: provider interpretation. Allele origin: germline. Inheritance: Autosomal dominant inheritance. Affected: no. Observed: 1 variant allele, 1 heterozygote.
Comment: The variant satisfies PM2 criteria - extremely low frequency in gnomAD population databases. The variant satisfies PP3 criteria - for a missense or a splicing region variant, computational prediction tools unanimously support a deleterious effect on the gene. However, the variant satisfies BS2 criteria - present in heterozygous state in an individual that clinically does not have coffin-Siris syndrome.

Literature cited by the submitters: PubMed 26238514.

NM_152641.4(ARID2):c.1573T>G (p.Cys525Gly)

Gene: ARID2 (AT-rich interaction domain 2; plus strand). Cytogenetic location: 12q12.
Variant type: single nucleotide variant.
Coding change: c.1573T>G on transcript NM_152641.4 (MANE Select); coding-DNA position 1573, T replaced by G.
Protein change: p.Cys525Gly; replaces cysteine 525 with glycine.
Molecular consequence: missense variant.
Genome position (GRCh38, 1-based): chr12:45,846,930, T>G. VCF-style: chr12-45846930-T-G. GRCh37 (hg19) VCF-style: chr12-46240713-T-G.
Other names: c.1573T>G, p.Cys525Gly (NM_001347839.2); short protein forms C525G.
Identifiers: ClinVar variation 4851372 (VCV004851372.1).